The following is an entry in ClinVar:

ClinVar aggregate classification (germline): Uncertain significance (1 of 4 stars; one submission).

Submission:

Labcorp Genetics (formerly Invitae), Labcorp
Classification: Uncertain significance. Last evaluated: 2023-03-09. Review status: criteria provided, single submitter. Criteria: Invitae Variant Classification Sherloc (09022015). Collection method: clinical testing. Allele origin: unknown.
Comment: In summary, the available evidence is currently insufficient to determine the role of this variant in disease. Therefore, it has been classified as a Variant of Uncertain Significance. This variant has not been reported in the literature in individuals affected with ESR2-related conditions. This variant results in a copy number gain of the genomic region encompassing exon(s) 7-9 of the ESR2 gene. This region includes the termination codon of the gene. This copy number gain extends beyond the assayed region for this gene and therefore may encompass additional genes. As the precise location of this event is unknown, it may be in tandem or it may be located elsewhere in the genome.

NC_000014.8:g.(?_64679509)_(64716417_?)dup

Genes: ESR2 (estrogen receptor 2; minus strand), SYNE2 (spectrin repeat containing nuclear envelope protein 2; plus strand). Cytogenetic location: 14q23.2.
Variant type: Duplication.
Identifiers: ClinVar variation 3244076 (VCV003244076.1).